The following is an entry in ClinVar:

NM_000138.5(FBN1):c.4031G>A (p.Gly1344Glu)

Gene: FBN1 (fibrillin 1; minus strand). Cytogenetic location: 15q21.1.
Variant type: single nucleotide variant.
Coding change: c.4031G>A on transcript NM_000138.5 (MANE Select); coding-DNA position 4031, G replaced by A.
Protein change: p.Gly1344Glu; replaces glycine 1344 with glutamic acid.
Molecular consequence: missense variant.
Genome position (GRCh38, 1-based): chr15:48,474,584, C>T on the plus strand (G>A on the coding strand, the complement: FBN1 is on the minus strand). VCF-style: chr15-48474584-C-T. GRCh37 (hg19) VCF-style: chr15-48766781-C-T.
Other names: short protein forms G1344E.
Identifiers: ClinVar variation 527181 (VCV000527181.13), dbSNP rs1555397725, ClinGen allele CA392320523.

ClinVar aggregate classification (germline): Pathogenic/Likely pathogenic. Review status: criteria provided, multiple submitters, no conflicts (2 of 4 stars). 3 submissions from 3 submitters: Pathogenic (1); Likely pathogenic (2). Last evaluated 2023-08-30.

Conditions:
Familial ectopia lentis. Identifiers: MedGen C2746069.
Marfan syndrome (MFS). Also called: Marfan syndrome type 1; Marfan's syndrome; Marfan syndrome, classic; FBN1-Related Marfan Syndrome; MARFAN SYNDROME, TYPE I. Identifiers: Orphanet 284963, Orphanet 558, MedGen C0024796, MONDO:0007947, OMIM 154700.
Familial thoracic aortic aneurysm and aortic dissection (TAAD). Also called: Thoracic aortic aneurysms and dissections. Identifiers: Orphanet 91387, MedGen C4707243, MONDO:0019625.

Submissions (3):

Labcorp Genetics (formerly Invitae), Labcorp
Classification: Pathogenic for Marfan syndrome; Familial thoracic aortic aneurysm and aortic dissection. Last evaluated: 2023-08-30. Review status: criteria provided, single submitter. Criteria: Invitae Variant Classification Sherloc (09022015). Collection method: clinical testing. Allele origin: germline.
Comment: For these reasons, this variant has been classified as Pathogenic. Advanced modeling of protein sequence and biophysical properties (such as structural, functional, and spatial information, amino acid conservation, physicochemical variation, residue mobility, and thermodynamic stability) performed at Invitae indicates that this missense variant is expected to disrupt FBN1 protein function. ClinVar contains an entry for this variant (Variation ID: 527181). This missense change has been observed in individual(s) with Marfan syndrome (Invitae). It has also been observed to segregate with disease in related individuals. This variant is not present in population databases (gnomAD no frequency). This sequence change replaces glycine, which is neutral and non-polar, with glutamic acid, which is acidic and polar, at codon 1344 of the FBN1 protein (p.Gly1344Glu).

Women's Health and Genetics/Laboratory Corporation of America, LabCorp
Classification: Likely pathogenic for Familial ectopia lentis. Last evaluated: 2022-07-11. Review status: criteria provided, single submitter. Criteria: LabCorp Variant Classification Summary - May 2015. Collection method: clinical testing. Allele origin: germline.
Comment: Variant summary: FBN1 c.4031G>A (p.Gly1344Glu) results in a non-conservative amino acid change located in the EGF-like domain (IPR000742) of the encoded protein sequence. Five of five in-silico tools predict a damaging effect of the variant on protein function. The variant was absent in 251276 control chromosomes (gnomAD). c.4031G>A has been reported in the literature, co-segregating with disease, in multiple members of one family affected with late-onset isolated ectopia lentis and additional manifestations of microspherophakia, secondary glaucoma with minor skeletal involvement (Yang_2021). These data indicate that the variant is likely to be associated with disease. To our knowledge, no experimental evidence demonstrating an impact on protein function has been reported. A ClinVar submitter (evaluation after 2014) cites the variant as pathogenic. Based on the evidence outlined above, the variant was classified as likely pathogenic.

Clinical Genetics Service, Universitary Hospital 12 de Octubre
Classification: Likely pathogenic for Marfan syndrome. Review status: criteria provided, single submitter. Criteria: ACMG Guidelines, 2015. Collection method: clinical testing. Allele origin: germline. Affected: yes.

Literature cited by the submitters: PubMed 32123317 (cited by Women's Health and Genetics/Laboratory Corporation of America, LabCorp); PubMed 34663891 (cited by Women's Health and Genetics/Laboratory Corporation of America, LabCorp); PubMed 32404357 (cited by Women's Health and Genetics/Laboratory Corporation of America, LabCorp).